The following is an entry in ClinVar:

NM_018368.4(LMBRD1):c.156T>G (p.Phe52Leu)

Gene: LMBRD1 (LMBR1 domain containing 1; minus strand). Cytogenetic location: 6q13.
Variant type: single nucleotide variant.
Coding change: c.156T>G on transcript NM_018368.4 (MANE Select); coding-DNA position 156, T replaced by G.
Protein change: p.Phe52Leu; replaces phenylalanine 52 with leucine.
Molecular consequence: missense variant. On other transcripts: 5 prime UTR variant (3).
Genome position (GRCh38, 1-based): chr6:69,790,386, A>C on the plus strand (T>G on the coding strand, the complement: LMBRD1 is on the minus strand). VCF-style: chr6-69790386-A-C. GRCh37 (hg19) VCF-style: chr6-70500278-A-C.
Other names: c.-64T>G (NM_001363722.2, NM_001367271.1, NM_001367272.1); short protein forms F52L.
Identifiers: ClinVar variation 2906408 (VCV002906408.3), dbSNP rs1310584180, ClinGen allele CA364803608.

ClinVar aggregate classification (germline): Uncertain significance (1 of 4 stars; one submission).

Conditions:
Methylmalonic aciduria and homocystinuria type cblF. Also called: COBALAMIN F DISEASE; COBALAMIN, DEFECT IN LYSOSOMAL RELEASE OF; METHYLMALONIC ACIDEMIA AND HOMOCYSTINURIA, cblF TYPE; METHYLMALONIC ACIDURIA DUE TO VITAMIN B12-RELEASE DEFECT; VITAMIN B12 LYSOSOMAL RELEASE DEFECT; VITAMIN B12 STORAGE DISEASE. Identifiers: Orphanet 79284, MedGen C1848578, MONDO:0010183, OMIM 277380.

Allele frequency attached by ClinVar (database versions not stated): gnomAD exomes below 0.00001; gnomAD 0.00001; TOPMed 0.00002.
gnomAD v4.1: 4 of 1,613,884 alleles (0.00025%); highest among the groups gnomAD compares: African/African-American, 0.0053%; no homozygotes.

Submission:

Labcorp Genetics (formerly Invitae), Labcorp
Classification: Uncertain significance for Methylmalonic aciduria and homocystinuria type cblF. Last evaluated: 2023-03-19. Review status: criteria provided, single submitter. Criteria: Invitae Variant Classification Sherloc (09022015). Collection method: clinical testing. Allele origin: germline.
Comment: In summary, the available evidence is currently insufficient to determine the role of this variant in disease. Therefore, it has been classified as a Variant of Uncertain Significance. Advanced modeling of protein sequence and biophysical properties (such as structural, functional, and spatial information, amino acid conservation, physicochemical variation, residue mobility, and thermodynamic stability) performed at Invitae indicates that this missense variant is not expected to disrupt LMBRD1 protein function. This variant has not been reported in the literature in individuals affected with LMBRD1-related conditions. This variant is present in population databases (no rsID available, gnomAD 0.01%). This sequence change replaces phenylalanine, which is neutral and non-polar, with leucine, which is neutral and non-polar, at codon 52 of the LMBRD1 protein (p.Phe52Leu).